The following is an entry in ClinVar:

ClinVar aggregate classification (germline): Pathogenic (1 of 4 stars; one submission).

Conditions:
Duchenne muscular dystrophy (DMD). Also called: MUSCULAR DYSTROPHY, PSEUDOHYPERTROPHIC PROGRESSIVE, DUCHENNE TYPE; Duchenne Muscular Dystrophy (DMD). Identifiers: Orphanet 98896, MedGen C0013264, MONDO:0010679, OMIM 310200.

Submission:

Labcorp Genetics (formerly Invitae), Labcorp
Classification: Pathogenic for Duchenne muscular dystrophy. Last evaluated: 2016-11-26. Review status: criteria provided, single submitter. Criteria: Invitae Variant Classification Sherloc (09022015). Collection method: clinical testing. Allele origin: germline.
Comment: This variant is a gross duplication of the genomic region encompassing exons 3-4 of the DMD gene. This leads to an in-frame duplication, which occurs in tandem, therefore preserving the integrity of the reading frame. Gross duplications of the DMD gene are known to be pathogenic. Similar duplications have been reported in many (>10) individuals affected with Duchenne or Becker muscular dystrophy (PMID: 2316519, 12111668, 16917894, 18752307, 21896784). For these reasons, this variant has been classified as Pathogenic.

NC_000023.10:g.(?_32862900)_(32867937_?)dup

Gene: DMD (dystrophin; minus strand). Cytogenetic location: Xp21.1.
Variant type: Duplication.
Identifiers: ClinVar variation 417494 (VCV000417494.1).